The following is an entry in ClinVar:

NM_001846.4(COL4A2):c.1263C>T (p.Tyr421=)

Gene: COL4A2 (collagen type IV alpha 2 chain; plus strand). Cytogenetic location: 13q34.
Variant type: single nucleotide variant.
Coding change: c.1263C>T on transcript NM_001846.4 (MANE Select); coding-DNA position 1263, C replaced by T.
Protein change: p.Tyr421=; no amino-acid change (tyrosine 421 retained).
Molecular consequence: synonymous variant.
Genome position (GRCh38, 1-based): chr13:110,450,378, C>T. VCF-style: chr13-110450378-C-T. GRCh37 (hg19) VCF-style: chr13-111102725-C-T.
Identifiers: ClinVar variation 883512 (VCV000883512.7), dbSNP rs757264758, ClinGen allele CA7049359.

ClinVar aggregate classification (germline): Likely benign. Review status: criteria provided, multiple submitters, no conflicts (2 of 4 stars). 2 submissions from 2 submitters: Likely benign (2). Last evaluated 2025-10-19.

Conditions:
Brain small vessel disease 2A, autosomal dominant. Also called: Porencephaly 2. Identifiers: Orphanet 2940, Orphanet 99810, MedGen C3280970, MONDO:0013773, OMIM 614483.

Allele frequency attached by ClinVar (database versions not stated): gnomAD exomes 0.00001 and 0.00002; ExAC 0.00003; gnomAD 0.00003; TOPMed 0.00008.
gnomAD v4.1: 34 of 1,613,882 alleles (0.0021%); highest among the groups gnomAD compares: Middle Eastern, 0.016%; no homozygotes.

Submissions (2):

Labcorp Genetics (formerly Invitae), Labcorp
Classification: Likely benign. Last evaluated: 2025-10-19. Review status: criteria provided, single submitter. Criteria: Invitae Variant Classification Sherloc (09022015). Collection method: clinical testing. Allele origin: germline.

Illumina Laboratory Services, Illumina
Classification: Likely benign for Brain small vessel disease 2A, autosomal dominant. Last evaluated: 2018-01-13. Review status: criteria provided, single submitter. Criteria: ICSL Variant Classification Criteria 13 December 2019. Collection method: clinical testing. Allele origin: germline.
Comment: This variant was observed in the ICSL laboratory as part of a predisposition screen in an ostensibly healthy population. It had not been previously curated by ICSL or reported in the Human Gene Mutation Database (HGMD: prior to June 1st, 2018), and was therefore a candidate for classification through an automated scoring system. Utilizing variant allele frequency, disease prevalence and penetrance estimates, and inheritance mode, an automated score was calculated to assess if this variant is too frequent to cause the disease. Based on the score and internal cut-off values, a variant classified as likely benign is not then subjected to further curation. The score for this variant resulted in a classification of likely benign for this disease.